The following is an entry in ClinVar:

ClinVar aggregate classification (germline): Uncertain significance (1 of 4 stars; one submission).

Conditions:
Hereditary cancer-predisposing syndrome. Also called: Hereditary neoplastic syndrome; Neoplastic Syndromes, Hereditary; Tumor predisposition; Hereditary Cancer Syndrome. Identifiers: Orphanet 140162, MedGen C0027672, MeSH D009386, MONDO:0015356.

gnomAD v4.1: 1 of 1,614,084 alleles (0.000062%); highest among the groups gnomAD compares: Admixed American, 0.0017%; no homozygotes.

Submission:

Ambry Genetics
Classification: Uncertain significance for Hereditary cancer-predisposing syndrome. Last evaluated: 2025-01-19. Review status: criteria provided, single submitter. Criteria: Ambry Variant Classification Scheme 2023. Collection method: clinical testing. Allele origin: germline.
Comment: The p.E135K variant (also known as c.403G>A), located in coding exon 1 of the GREM1 gene, results from a G to A substitution at nucleotide position 403. The glutamic acid at codon 135 is replaced by lysine, an amino acid with similar properties. This amino acid position is conserved. In addition, this alteration is predicted to be tolerated by in silico analysis. Based on the available evidence, the clinical significance of this variant remains unclear.

NM_013372.7(GREM1):c.403G>A (p.Glu135Lys)

Gene: GREM1 (gremlin 1, DAN family BMP antagonist; plus strand). Cytogenetic location: 15q13.3.
Variant type: single nucleotide variant.
Coding change: c.403G>A on transcript NM_013372.7 (MANE Select); coding-DNA position 403, G replaced by A.
Protein change: p.Glu135Lys; replaces glutamic acid 135 with lysine.
Molecular consequence: missense variant.
Genome position (GRCh38, 1-based): chr15:32,731,093, G>A. VCF-style: chr15-32731093-G-A. GRCh37 (hg19) VCF-style: chr15-33023294-G-A.
Other names: c.193G>A, p.Glu65Lys (NM_001191322.2); c.280G>A, p.Glu94Lys (NM_001191323.2); c.403G>A, p.Glu135Lys (NM_001368719.1); short protein forms E135K, E65K, E94K.
Identifiers: ClinVar variation 3855663 (VCV003855663.1).